The following is an entry in ClinVar:

NM_001010909.5(MUC21):c.924C>T (p.Thr308=)

Genes: MUC21 (mucin 21, cell surface associated; plus strand), LOC126859647 (CDK7 strongly-dependent group 2 enhancer GRCh37_chr6:30954612-30955811; plus strand). Cytogenetic location: 6p21.33.
Variant type: single nucleotide variant.
Coding change: c.924C>T on transcript NM_001010909.5 (MANE Select); coding-DNA position 924, C replaced by T.
Protein change: p.Thr308=; no amino-acid change (threonine 308 retained).
Molecular consequence: synonymous variant. On other transcripts: non-coding transcript variant (1).
Genome position (GRCh38, 1-based): chr6:30,987,099, C>T. VCF-style: chr6-30987099-C-T. GRCh37 (hg19) VCF-style: chr6-30954876-C-T.
Other names: c.1014G>T, p.Val338= (NM_001322370.2); c.1014C>T, p.Thr338= (NM_001322371.2).
Identifiers: ClinVar variation 3025037 (VCV003025037.22), dbSNP rs41288669, ClinGen allele CA3707345.

ClinVar aggregate classification (germline): Likely benign (1 of 4 stars; one submission).

Allele frequency attached by ClinVar (database versions not stated): gnomAD 0.00106; ESP Exome Variant Server 0.00138; gnomAD exomes 0.00148; ExAC 0.00161.
gnomAD v4.1: 2,230 of 1,572,238 alleles (0.14%); highest among the groups gnomAD compares: Non-Finnish European, 0.16%; 5 homozygotes.

Submission:

CeGaT Center for Human Genetics Tuebingen
Classification: Likely benign. Last evaluated: 2024-02-01. Review status: criteria provided, single submitter. Criteria: CeGaT Center For Human Genetics Tuebingen Variant Classification Criteria Version 2. Collection method: clinical testing. Allele origin: germline. Affected: yes. Observed: 1 variant allele.
Comment: MUC21: BP4, BP7